The following is an entry in ClinVar:

NR_110592.1(LOC102723927):n.2507_131503del

Genes: LINC01237 (long intergenic non-protein coding RNA 1237; plus strand), LINC01880 (long intergenic non-protein coding RNA 1880; minus strand), LINC01881 (long intergenic non-protein coding RNA 1881; plus strand), LINC03100 (long intergenic non-protein coding RNA 3100; minus strand), LOC122889016 (Sharpr-MPRA regulatory region 9157; plus strand) and 2 more. Cytogenetic location: 2q37.3.
Variant type: Deletion.
Identifiers: ClinVar variation 156834 (VCV000156834.2).

ClinVar aggregate classification (germline): not provided (0 of 4 stars; one submission).

Conditions:
Gestational diabetes mellitus uncontrolled. Identifiers: MedGen C3532257.

Submission:

Institute of Molecular and Cell Biology, University of Tartu
No classification provided. Condition: Gestational diabetes mellitus uncontrolled. Review status: no classification provided. Collection method: case-control. Allele origin: unknown. Affected: yes. Study: Kasak2014.
Comment: The study aimed to determine the contribution of copy number variants in the genetic etiology of normal and complicated pregnancies. The samples represented (i) maternal blood DNA drawn from healthy pregnant women during 1st or 2nd trimester and (ii) maternal and paternal blood DNA drawn at term pregnancy cases representing normal and complicated gestations (severe preeclampsia, PE; gestational diabetes, GD; small-for-gestational age newborn, SGA; large-for-gestational age newborn, LGA). We performed CNV calling based on genome-wide genotyping dataset (Illumina HumanOmniExpress-24-v1 BeadChip) by applying three algorithms, QuantiSNP, GADA (Genome Alteration Detection Algorithm) and CNstream in parallel. The acquired CNV calls were merged with HD-CNV (Hotspot Detector for Copy Number Variants) program and only the CNVs predicted by at least two programs, were considered in subsequent analysis.

Literature cited by the submitters: PubMed 25666259.